The following is an entry in ClinVar:

ClinVar aggregate classification (germline): Uncertain significance (1 of 4 stars; one submission).

Conditions:
Hereditary cancer-predisposing syndrome. Also called: Hereditary neoplastic syndrome; Neoplastic Syndromes, Hereditary; Tumor predisposition; Hereditary Cancer Syndrome. Identifiers: Orphanet 140162, MedGen C0027672, MeSH D009386, MONDO:0015356.

Submission:

Ambry Genetics
Classification: Uncertain significance for Hereditary cancer-predisposing syndrome. Last evaluated: 2025-09-12. Review status: criteria provided, single submitter. Criteria: Ambry Variant Classification Scheme 2023. Collection method: clinical testing. Allele origin: germline.
Comment: The p.A832S variant (also known as c.2494G>T), located in coding exon 22 of the POLE gene, results from a G to T substitution at nucleotide position 2494. The alanine at codon 832 is replaced by serine, an amino acid with similar properties. This amino acid position is conserved. In addition, the in silico prediction for this alteration is inconclusive. Based on the available evidence, the clinical significance of this variant remains unclear.

NM_006231.4(POLE):c.2494G>T (p.Ala832Ser)

Gene: POLE (DNA polymerase epsilon, catalytic subunit; minus strand). Cytogenetic location: 12q24.33.
Variant type: single nucleotide variant.
Coding change: c.2494G>T on transcript NM_006231.4 (MANE Select); coding-DNA position 2494, G replaced by T.
Protein change: p.Ala832Ser; replaces alanine 832 with serine.
Molecular consequence: missense variant.
Genome position (GRCh38, 1-based): chr12:132,664,437, C>A on the plus strand (G>T on the coding strand, the complement: POLE is on the minus strand). VCF-style: chr12-132664437-C-A. GRCh37 (hg19) VCF-style: chr12-133241023-C-A.
Other names: short protein forms A832S.
Identifiers: ClinVar variation 4141246 (VCV004141246.1).
Genomic context (GRCh38, chr12:132,664,437, plus strand): 5'-GCTCGATCAGCTCCCGTGCCTGGGTGATGATGTTGGCCCCTGTGAAGCAGACGATGCCAG[C>A]CATCTCCATGGAGTACCAGCGAGCCCTGAGAGGACACCACAAACTGGTGGGTGGGGCTGG-3'
Protein context (NP_006222.2, residues 822-842): KGARWYSMEM[Ala832Ser]GIVCFTGANI